The following is an entry in ClinVar:

NM_002336.3(LRP6):c.1100A>G (p.Tyr367Cys)

Gene: LRP6 (LDL receptor related protein 6; minus strand). Cytogenetic location: 12p13.2.
Variant type: single nucleotide variant.
Coding change: c.1100A>G on transcript NM_002336.3 (MANE Select); coding-DNA position 1100, A replaced by G.
Protein change: p.Tyr367Cys; replaces tyrosine 367 with cysteine.
Molecular consequence: missense variant.
Genome position (GRCh38, 1-based): chr12:12,181,316, T>C on the plus strand (A>G on the coding strand, the complement: LRP6 is on the minus strand). VCF-style: chr12-12181316-T-C. GRCh37 (hg19) VCF-style: chr12-12334250-T-C.
Other names: short protein forms Y367C.
Identifiers: ClinVar variation 1710587 (VCV001710587.2), dbSNP rs2498957878, ClinGen allele CA383951336.

ClinVar aggregate classification (germline): Uncertain significance (1 of 4 stars; one submission).

Allele frequency attached by ClinVar (database versions not stated): gnomAD exomes below 0.00001.
gnomAD v4.1: 6 of 1,614,150 alleles (0.00037%); highest among the groups gnomAD compares: Non-Finnish European, 0.00051%; no homozygotes.

Submission:

GeneDx
Classification: Uncertain significance. Last evaluated: 2022-04-13. Review status: criteria provided, single submitter. Criteria: GeneDx Variant Classification Process June 2021. Collection method: clinical testing. Allele origin: germline. Affected: yes.
Comment: Not observed at significant frequency in large population cohorts (gnomAD); In silico analysis supports that this missense variant has a deleterious effect on protein structure/function; Has not been previously published as pathogenic or benign to our knowledge